The following is an entry in ClinVar:

ClinVar aggregate classification (germline): Uncertain significance (1 of 4 stars; one submission).

Conditions:
Carnitine palmitoyl transferase 1A deficiency. Also called: Carnitine palmitoyltransferase 1A deficiency; CPT I DEFICIENCY; CPT DEFICIENCY, HEPATIC, TYPE I; CPT deficiency, hepatic, type IA; Carnitine palmitoyltransferase type I deficiency. Identifiers: Orphanet 156, MedGen C1829703, MONDO:0009705, OMIM 255120.

gnomAD v4.1: 33 of 1,606,720 alleles (0.0021%); highest among the groups gnomAD compares: African/African-American, 0.008%; no homozygotes.

Submission:

Labcorp Genetics (formerly Invitae), Labcorp
Classification: Uncertain significance for Carnitine palmitoyl transferase 1A deficiency. Last evaluated: 2022-04-10. Review status: criteria provided, single submitter. Criteria: Invitae Variant Classification Sherloc (09022015). Collection method: clinical testing. Allele origin: germline.
Comment: This sequence change falls in intron 10 of the CPT1A gene. It does not directly change the encoded amino acid sequence of the CPT1A protein. It affects a nucleotide within the consensus splice site. This variant is present in population databases (rs140999795, gnomAD 0.01%). This variant has not been reported in the literature in individuals affected with CPT1A-related conditions. Variants that disrupt the consensus splice site are a relatively common cause of aberrant splicing (PMID: 17576681, 9536098). Algorithms developed to predict the effect of sequence changes on RNA splicing suggest that this variant is not likely to affect RNA splicing. In summary, the available evidence is currently insufficient to determine the role of this variant in disease. Therefore, it has been classified as a Variant of Uncertain Significance.

Literature cited by the submitters: PubMed 17576681; PubMed 9536098.

NM_001876.4(CPT1A):c.1163+5G>T

Gene: CPT1A (carnitine palmitoyltransferase 1A; minus strand). Cytogenetic location: 11q13.3.
Variant type: single nucleotide variant.
Coding change: c.1163+5G>T on transcript NM_001876.4 (MANE Select); 5 bases into the intron after coding-DNA position 1163, G replaced by T.
Molecular consequence: intron variant.
Genome position (GRCh38, 1-based): chr11:68,784,810, C>A on the plus strand (G>T on the coding strand, the complement: CPT1A is on the minus strand). VCF-style: chr11-68784810-C-A. GRCh37 (hg19) VCF-style: chr11-68552278-C-A.
Other names: c.1163+5G>T (NM_001031847.3).
Identifiers: ClinVar variation 2145167 (VCV002145167.1), dbSNP rs140999795, ClinGen allele CA6152401.